The following is an entry in ClinVar:

ClinVar aggregate classification (germline): Uncertain significance (1 of 4 stars; one submission).

gnomAD v4.1: 14 of 1,614,084 alleles (0.00087%); highest among the groups gnomAD compares: Non-Finnish European, 0.0012%; no homozygotes.

Submission:

Athena Diagnostics
Classification: Uncertain significance. Last evaluated: 2024-04-11. Review status: criteria provided, single submitter. Criteria: Athena Diagnostics Criteria. Collection method: clinical testing. Allele origin: unknown.
Comment: Available data are insufficient to determine the clinical significance of the variant at this time. This variant has not been reported in large, multi-ethnic general populations. Computational tools predict that this variant is damaging.

NM_006420.3(ARFGEF2):c.1100C>T (p.Ser367Phe)

Gene: ARFGEF2 (ARF guanine nucleotide exchange factor 2; plus strand). Cytogenetic location: 20q13.13.
Variant type: single nucleotide variant.
Coding change: c.1100C>T on transcript NM_006420.3 (MANE Select); coding-DNA position 1100, C replaced by T.
Protein change: p.Ser367Phe; replaces serine 367 with phenylalanine.
Molecular consequence: missense variant.
Genome position (GRCh38, 1-based): chr20:48,969,187, C>T. VCF-style: chr20-48969187-C-T. GRCh37 (hg19) VCF-style: chr20-47585724-C-T.
Other names: c.1097C>T, p.Ser366Phe (NM_001410846.1); short protein forms S367F, S366F.
Identifiers: ClinVar variation 3571661 (VCV003571661.1).
Genomic context (GRCh38, chr20:48,969,187, plus strand): 5'-ATGTTTGTTTCTGATCCTAGGAATCGGATGCACAAGGACATCAAGTGGCTGCCAGGTTCT[C>T]CCACGTTCTGCAGAAGGATGCCTTCCTTGTGTTCCGCTCCCTGTGCAAGCTGTCCATGAA-3'
Protein context (NP_006411.2, residues 357-377): AQGHQVAARF[Ser367Phe]HVLQKDAFLV